The following is an entry in ClinVar:

NM_004655.4(AXIN2):c.1670G>C (p.Ser557Thr)

Gene: AXIN2 (axin 2; minus strand). Cytogenetic location: 17q24.1.
Variant type: single nucleotide variant.
Coding change: c.1670G>C on transcript NM_004655.4 (MANE Select); coding-DNA position 1670, G replaced by C.
Protein change: p.Ser557Thr; replaces serine 557 with threonine.
Molecular consequence: missense variant.
Genome position (GRCh38, 1-based): chr17:65,537,366, C>G on the plus strand (G>C on the coding strand, the complement: AXIN2 is on the minus strand). VCF-style: chr17-65537366-C-G. GRCh37 (hg19) VCF-style: chr17-63533484-C-G.
Other names: c.1670G>C, p.Ser557Thr (NM_001363813.1); short protein forms S557T.
Identifiers: ClinVar variation 3224373 (VCV003224373.1), dbSNP rs2043945600, ClinGen allele CA400676873.

ClinVar aggregate classification (germline): Uncertain significance (1 of 4 stars; one submission).

Conditions:
Hereditary cancer-predisposing syndrome. Also called: Tumor predisposition; Hereditary neoplastic syndrome; Hereditary Cancer Syndrome; Neoplastic Syndromes, Hereditary. Identifiers: Orphanet 140162, MedGen C0027672, MeSH D009386, MONDO:0015356.

Submission:

Ambry Genetics
Classification: Uncertain significance for Hereditary cancer-predisposing syndrome. Last evaluated: 2023-12-10. Review status: criteria provided, single submitter. Criteria: Ambry Variant Classification Scheme 2023. Collection method: clinical testing. Allele origin: germline.
Comment: The p.S557T variant (also known as c.1670G>C), located in coding exon 5 of the AXIN2 gene, results from a G to C substitution at nucleotide position 1670. The serine at codon 557 is replaced by threonine, an amino acid with similar properties. This amino acid position is conserved. In addition, this alteration is predicted to be tolerated by in silico analysis. Since supporting evidence is limited at this time, the clinical significance of this alteration remains unclear.